The following is an entry in ClinVar:

ClinVar aggregate classification (germline): Uncertain significance (1 of 4 stars; one submission).

Conditions:
Episodic ataxia type 1 (EA1). Also called: MYOKYMIA WITH PERIODIC ATAXIA; Episodic ataxia/myokymia syndrome; PAROXYSMAL ATAXIA WITH NEUROMYOTONIA, HEREDITARY; ATAXIA, EPISODIC, WITH MYOKYMIA. Identifiers: Orphanet 37612, Orphanet 972, MedGen C1719788, MONDO:0008047, OMIM 160120.

Allele frequency attached by ClinVar (database versions not stated): TOPMed 0.00002.

Submission:

Labcorp Genetics (formerly Invitae), Labcorp
Classification: Uncertain significance for Episodic ataxia type 1. Last evaluated: 2019-05-25. Review status: criteria provided, single submitter. Criteria: Invitae Variant Classification Sherloc (09022015). Collection method: clinical testing. Allele origin: germline.
Comment: This variant is not present in population databases (ExAC no frequency). This variant has not been reported in the literature in individuals with KCNA1-related conditions. Algorithms developed to predict the effect of missense changes on protein structure and function (SIFT, PolyPhen-2, Align-GVGD) all suggest that this variant is likely to be tolerated, but these predictions have not been confirmed by published functional studies and their clinical significance is uncertain. Algorithms developed to predict the effect of sequence changes on RNA splicing suggest that this variant may create or strengthen a splice site, but this prediction has not been confirmed by published transcriptional studies. In summary, the available evidence is currently insufficient to determine the role of this variant in disease. Therefore, it has been classified as a Variant of Uncertain Significance. This sequence change replaces cysteine with serine at codon 485 of the KCNA1 protein (p.Cys485Ser). The cysteine residue is highly conserved and there is a moderate physicochemical difference between cysteine and serine.

NM_000217.3(KCNA1):c.1453T>A (p.Cys485Ser)

Gene: KCNA1 (potassium voltage-gated channel subfamily A member 1; plus strand). Cytogenetic location: 12p13.32.
Variant type: single nucleotide variant.
Coding change: c.1453T>A on transcript NM_000217.3 (MANE Select); coding-DNA position 1453, T replaced by A.
Protein change: p.Cys485Ser; replaces cysteine 485 with serine.
Molecular consequence: missense variant.
Genome position (GRCh38, 1-based): chr12:4,912,831, T>A. VCF-style: chr12-4912831-T-A. GRCh37 (hg19) VCF-style: chr12-5021997-T-A.
Other names: short protein forms C485S.
Identifiers: ClinVar variation 949579 (VCV000949579.9), dbSNP rs1470787858, ClinGen allele CA383456818.